The following is an entry in ClinVar:

NM_080732.4(EGLN2):c.35A>C (p.Gln12Pro)

Genes: EGLN2 (egl-9 family hypoxia inducible factor 2; plus strand), RAB4B-EGLN2 (RAB4B-EGLN2 readthrough (NMD candidate); plus strand). Cytogenetic location: 19q13.2.
Variant type: single nucleotide variant.
Coding change: c.35A>C on transcript NM_080732.4 (MANE Select); coding-DNA position 35, A replaced by C.
Protein change: p.Gln12Pro; replaces glutamine 12 with proline.
Molecular consequence: missense variant. On other transcripts: non-coding transcript variant (1).
Genome position (GRCh38, 1-based): chr19:40,800,607, A>C. VCF-style: chr19-40800607-A-C. GRCh37 (hg19) VCF-style: chr19-41306512-A-C.
Other names: c.35A>C, p.Gln12Pro (NM_053046.4); short protein forms Q12P.
Identifiers: ClinVar variation 3228998 (VCV003228998.1), dbSNP rs1242489409, ClinGen allele CA405954430.
Genomic context (GRCh38, chr19:40,800,607, plus strand): 5'-GCCCGGGGGATGAAGACACTGCTGCCATGGACAGCCCGTGCCAGCCGCAGCCCCTAAGTC[A>C]GGCTCTCCCTCAGTTACCAGGGTCTTCGTCAGAGCCCTTGGAGCCTGAGCCTGGCCGGGC-3'
Protein context (NP_542770.2, residues 2-22): DSPCQPQPLS[Gln12Pro]ALPQLPGSSS

ClinVar aggregate classification (germline): Uncertain significance (1 of 4 stars; one submission).

Submission:

Ambry Genetics
Classification: Uncertain significance. Last evaluated: 2023-12-19. Review status: criteria provided, single submitter. Criteria: Ambry Variant Classification Scheme 2023. Collection method: clinical testing. Allele origin: germline.
Comment: The p.Q12P variant (also known as c.35A>C), located in coding exon 1 of the EGLN2 gene, results from an A to C substitution at nucleotide position 35. The glutamine at codon 12 is replaced by proline, an amino acid with similar properties. This amino acid position is conserved. In addition, this alteration is predicted to be tolerated by in silico analysis. Since supporting evidence is limited at this time, the clinical significance of this alteration remains unclear.